The following is an entry in ClinVar:

ClinVar aggregate classification (germline): Uncertain significance (1 of 4 stars; one submission).

Conditions:
Hereditary cancer-predisposing syndrome. Also called: Neoplastic Syndromes, Hereditary; Tumor predisposition; Hereditary neoplastic syndrome; Hereditary Cancer Syndrome. Identifiers: Orphanet 140162, MedGen C0027672, MeSH D009386, MONDO:0015356.

Submission:

Ambry Genetics
Classification: Uncertain significance for Hereditary cancer-predisposing syndrome. Last evaluated: 2026-08-12. Review status: criteria provided, single submitter. Criteria: Ambry Variant Classification Scheme 2023. Collection method: clinical testing. Allele origin: germline.
Comment: The p.S2358T variant (also known as c.7072T>A), located in coding exon 15 of the APC gene, results from a T to A substitution at nucleotide position 7072. The serine at codon 2358 is replaced by threonine, an amino acid with similar properties. This amino acid position is conserved. In addition, in silico predictors for this gene do not accurately predict pathogenicity. Based on the available evidence, the clinical significance of this variant remains unclear.

NM_000038.6(APC):c.7072T>A (p.Ser2358Thr)

Gene: APC (APC regulator of Wnt signaling pathway; plus strand). Cytogenetic location: 5q22.2.
Variant type: single nucleotide variant.
Coding change: c.7072T>A on transcript NM_000038.6 (MANE Select); coding-DNA position 7072, T replaced by A.
Protein change: p.Ser2358Thr; replaces serine 2358 with threonine.
Molecular consequence: missense variant. On other transcripts: non-coding transcript variant (2).
Genome position (GRCh38, 1-based): chr5:112,842,666, T>A. VCF-style: chr5-112842666-T-A. GRCh37 (hg19) VCF-style: chr5-112178363-T-A.
Other names: c.7072T>A, p.Ser2358Thr (NM_001127510.3, NM_001354895.2, NM_001407450.1); c.7018T>A, p.Ser2340Thr (NM_001127511.3); c.7126T>A, p.Ser2376Thr (NM_001354896.2, NM_001407447.1, NM_001407448.1 and 1 more transcripts); c.7102T>A, p.Ser2368Thr (NM_001354897.2); c.6997T>A, p.Ser2333Thr (NM_001354898.2); c.6988T>A, p.Ser2330Thr (NM_001354899.2); c.6949T>A, p.Ser2317Thr (NM_001354900.2); c.6895T>A, p.Ser2299Thr (NM_001354901.2, NM_001407453.1); and 11 more; short protein forms S2198T, S2232T, S2275T, S2368T, S2376T, S2386T, S2299T, S2317T.
Identifiers: ClinVar variation 5025772 (VCV005025772.1).